The following is an entry in ClinVar:

NM_001080.3(ALDH5A1):c.137G>A (p.Cys46Tyr)

Genes: ALDH5A1 (aldehyde dehydrogenase 5 family member A1; plus strand), GPLD1 (glycosylphosphatidylinositol specific phospholipase D1; minus strand), LOC129995978 (ATAC-STARR-seq lymphoblastoid silent region 16989; plus strand). Cytogenetic location: 6p22.3.
Variant type: single nucleotide variant.
Coding change: c.137G>A on transcript NM_001080.3 (MANE Select); coding-DNA position 137, G replaced by A.
Protein change: p.Cys46Tyr; replaces cysteine 46 with tyrosine.
Molecular consequence: missense variant.
Genome position (GRCh38, 1-based): chr6:24,495,133, G>A. VCF-style: chr6-24495133-G-A. GRCh37 (hg19) VCF-style: chr6-24495361-G-A.
Other names: c.137G>A, p.Cys46Tyr (NM_001368954.1, NM_170740.1); short protein forms C46Y.
Identifiers: ClinVar variation 665302 (VCV000665302.9), dbSNP rs1397377730, ClinGen allele CA362968297.

ClinVar aggregate classification (germline): Uncertain significance. Review status: criteria provided, multiple submitters, no conflicts (2 of 4 stars). 2 submissions from 2 submitters: Uncertain significance (2). Last evaluated 2022-05-03.

Conditions:
Succinate-semialdehyde dehydrogenase deficiency (SSADHD). Also called: Succinic Semialdehyde Dehydrogenase Deficiency; SSADH DEFICIENCY; 4-HYDROXYBUTYRIC ACIDURIA; GABA METABOLIC DEFECT. Identifiers: Orphanet 22, MedGen C0268631, MONDO:0010083, OMIM 271980.

Allele frequency attached by ClinVar (database versions not stated): gnomAD 0.00001; TOPMed 0.00001.

Submissions (2):

Labcorp Genetics (formerly Invitae), Labcorp
Classification: Uncertain significance for Succinate-semialdehyde dehydrogenase deficiency. Last evaluated: 2022-05-03. Review status: criteria provided, single submitter. Criteria: Invitae Variant Classification Sherloc (09022015). Collection method: clinical testing. Allele origin: germline.
Comment: This variant has not been reported in the literature in individuals affected with ALDH5A1-related conditions. This variant is not present in population databases (gnomAD no frequency). This sequence change replaces cysteine, which is neutral and slightly polar, with tyrosine, which is neutral and polar, at codon 46 of the ALDH5A1 protein (p.Cys46Tyr). ClinVar contains an entry for this variant (Variation ID: 665302). In summary, the available evidence is currently insufficient to determine the role of this variant in disease. Therefore, it has been classified as a Variant of Uncertain Significance. Advanced modeling of protein sequence and biophysical properties (such as structural, functional, and spatial information, amino acid conservation, physicochemical variation, residue mobility, and thermodynamic stability) performed at Invitae indicates that this missense variant is not expected to disrupt ALDH5A1 protein function.

Baylor Genetics
Classification: Uncertain significance for Succinate-semialdehyde dehydrogenase deficiency. Last evaluated: 2020-01-27. Review status: criteria provided, single submitter. Criteria: ACMG Guidelines, 2015. Collection method: clinical testing. Allele origin: unknown. Affected: yes.
Comment: This variant was determined to be of uncertain significance according to ACMG Guidelines, 2015 [PMID:25741868].